The following is an entry in ClinVar:

NM_000507.4(FBP1):c.986T>C (p.Leu329Pro)

Gene: FBP1 (fructose-bisphosphatase 1; minus strand). Cytogenetic location: 9q22.32.
Variant type: single nucleotide variant.
Coding change: c.986T>C on transcript NM_000507.4 (MANE Select); coding-DNA position 986, T replaced by C.
Protein change: p.Leu329Pro; replaces leucine 329 with proline.
Molecular consequence: missense variant.
Genome position (GRCh38, 1-based): chr9:94,603,412, A>G on the plus strand (T>C on the coding strand, the complement: FBP1 is on the minus strand). VCF-style: chr9-94603412-A-G. GRCh37 (hg19) VCF-style: chr9-97365694-A-G.
Other names: c.986T>C, p.Leu329Pro (NM_001127628.2); short protein forms L329P.
Identifiers: ClinVar variation 1685318 (VCV001685318.5), dbSNP rs1248299502, ClinGen allele CA374105618.

ClinVar aggregate classification (germline): Conflicting classifications of pathogenicity. Review status: criteria provided, conflicting classifications (1 of 4 stars). 3 submissions from 3 submitters: Pathogenic (1); Likely pathogenic (1); Uncertain significance (1). Last evaluated 2023-12-06.

Conditions:
Fructose-biphosphatase deficiency (FBP1D). Also called: Fructose 1,6 Bisphosphatase Deficiency; Fructose-1,6-Diphosphatase Deficiency; Fructose-1,6-Bisphosphatase 1 Deficiency. Identifiers: Orphanet 348, MedGen C0016756, MONDO:0009251, OMIM 229700.

Allele frequency attached by ClinVar (database versions not stated): TOPMed below 0.00001; gnomAD exomes 0.00001; gnomAD 0.00001.
gnomAD v4.1: 4 of 1,613,940 alleles (0.00025%); highest among the groups gnomAD compares: South Asian, 0.0011%; no homozygotes.

Submissions (3):

Labcorp Genetics (formerly Invitae), Labcorp
Classification: Pathogenic for Fructose-biphosphatase deficiency. Last evaluated: 2023-12-06. Review status: criteria provided, single submitter. Criteria: Invitae Variant Classification Sherloc (09022015). Collection method: clinical testing. Allele origin: germline.
Comment: This sequence change replaces leucine, which is neutral and non-polar, with proline, which is neutral and non-polar, at codon 329 of the FBP1 protein (p.Leu329Pro). This variant is not present in population databases (gnomAD no frequency). This missense change has been observed in individual(s) with fructose-1,6-bisphosphatase deficiency (PMID: 30858132). In at least one individual the data is consistent with being in trans (on the opposite chromosome) from a pathogenic variant. ClinVar contains an entry for this variant (Variation ID: 1685318). Advanced modeling of protein sequence and biophysical properties (such as structural, functional, and spatial information, amino acid conservation, physicochemical variation, residue mobility, and thermodynamic stability) performed at Invitae indicates that this missense variant is expected to disrupt FBP1 protein function with a positive predictive value of 80%. For these reasons, this variant has been classified as Pathogenic.

Department of Pathology and Laboratory Medicine, Sinai Health System
Classification: Uncertain significance for Fructose-biphosphatase deficiency. Last evaluated: 2023-09-12. Review status: criteria provided, single submitter. Criteria: ACMG Guidelines, 2015. Collection method: research. Allele origin: germline.

Mendelics
Classification: Likely pathogenic for Fructose-biphosphatase deficiency. Last evaluated: 2022-05-04. Review status: criteria provided, single submitter. Criteria: Mendelics Assertion Criteria 2019. Collection method: clinical testing. Allele origin: germline.

Literature cited by the submitters: PubMed 30858132 (cited by Labcorp Genetics (formerly Invitae), Labcorp).